The following is an entry in ClinVar:

ClinVar aggregate classification (germline): Uncertain significance (1 of 4 stars; one submission).

Allele frequency attached by ClinVar (database versions not stated): ExAC 0.00002.
gnomAD v4.1: 24 of 1,613,760 alleles (0.0015%); highest among the groups gnomAD compares: South Asian, 0.019%; no homozygotes.

Submission:

Ambry Genetics
Classification: Uncertain significance. Last evaluated: 2024-12-21. Review status: criteria provided, single submitter. Criteria: Ambry Variant Classification Scheme 2023. Collection method: clinical testing. Allele origin: germline.
Comment: The p.T156M variant (also known as c.467C>T), located in coding exon 5 of the STAP1 gene, results from a C to T substitution at nucleotide position 467. The threonine at codon 156 is replaced by methionine, an amino acid with similar properties. This amino acid position is conserved. In addition, this alteration is predicted to be tolerated by in silico analysis. Since supporting evidence is limited at this time, the clinical significance of this alteration remains unclear.

NM_012108.4(STAP1):c.467C>T (p.Thr156Met)

Gene: STAP1 (signal transducing adaptor family member 1; plus strand). Cytogenetic location: 4q13.2.
Variant type: single nucleotide variant.
Coding change: c.467C>T on transcript NM_012108.4 (MANE Select); coding-DNA position 467, C replaced by T.
Protein change: p.Thr156Met; replaces threonine 156 with methionine.
Molecular consequence: missense variant.
Genome position (GRCh38, 1-based): chr4:67,581,408, C>T. VCF-style: chr4-67581408-C-T. GRCh37 (hg19) VCF-style: chr4-68447126-C-T.
Other names: c.467C>T, p.Thr156Met (NM_001317769.2); short protein forms T156M.
Identifiers: ClinVar variation 1742384 (VCV001742384.3), dbSNP rs778568896, ClinGen allele CA2937572.